The following is an entry in ClinVar:

ClinVar aggregate classification (germline): Uncertain significance (1 of 4 stars; one submission).

Allele frequency attached by ClinVar (database versions not stated): gnomAD exomes below 0.00001.

Submission:

CeGaT Center for Human Genetics Tuebingen
Classification: Uncertain significance. Last evaluated: 2024-02-01. Review status: criteria provided, single submitter. Criteria: CeGaT Center For Human Genetics Tuebingen Variant Classification Criteria Version 2. Collection method: clinical testing. Allele origin: germline. Affected: yes. Observed: 1 variant allele.
Comment: KAT6A: PM2, PP2

NM_006766.5(KAT6A):c.1570T>C (p.Ser524Pro)

Gene: KAT6A (lysine acetyltransferase 6A; minus strand). Cytogenetic location: 8p11.21.
Variant type: single nucleotide variant.
Coding change: c.1570T>C on transcript NM_006766.5 (MANE Select); coding-DNA position 1570, T replaced by C.
Protein change: p.Ser524Pro; replaces serine 524 with proline.
Molecular consequence: missense variant.
Genome position (GRCh38, 1-based): chr8:41,955,324, A>G on the plus strand (T>C on the coding strand, the complement: KAT6A is on the minus strand). VCF-style: chr8-41955324-A-G. GRCh37 (hg19) VCF-style: chr8-41812842-A-G.
Other names: c.1570T>C, p.Ser524Pro (NM_001305878.2); short protein forms S524P.
Identifiers: ClinVar variation 3027211 (VCV003027211.22), dbSNP rs2486743910, ClinGen allele CA371074545.